The following is an entry in ClinVar:

ClinVar aggregate classification (germline): Pathogenic. Review status: criteria provided, multiple submitters, no conflicts (2 of 4 stars). 3 submissions from 3 submitters: Pathogenic (3). Last evaluated 2024-02-05.

Conditions:
Classic or attenuated familial adenomatous polyposis. Identifiers: MedGen CN372698, MONDO:0021057.
Familial adenomatous polyposis 1 (FAP1). Also called: FAMILIAL ADENOMATOUS POLYPOSIS 1, ATTENUATED; POLYPOSIS, ADENOMATOUS INTESTINAL. Identifiers: MedGen C2713442, MONDO:0021056, OMIM 175100. Disease mechanism: loss of function.

Submissions (3):

All of Us Research Program, National Institutes of Health
Classification: Pathogenic for Classic or attenuated familial adenomatous polyposis. Last evaluated: 2024-02-05. Review status: criteria provided, single submitter. Criteria: ACMG Guidelines, 2015. Collection method: clinical testing. Allele origin: germline. Inheritance: Autosomal dominant inheritance. Observed: 1 variant allele, 1 heterozygote.
Comment: This variant inserts 1 nucleotide in exon 16 of the APC gene, creating a frameshift and premature translation stop signal in the last coding exon. This variant is predicted to escape nonsense-mediated decay and be expressed as a truncated protein. Although functional studies have not been reported, this variant is expected to disrupt several important domains including the armadillo, beta-catenin binding, SAMP-repeats, basic, EBL1 and HDLG binding domains (PMID: 11257105). To our knowledge, this variant has not been reported in individuals affected with APC-related disorders in the literature. This variant has not been identified in the general population by the Genome Aggregation Database (gnomAD). Loss of APC function is a known mechanism of disease. Based on the available evidence, this variant is classified as Pathogenic.

This study involves interpretation of variants in research participants for the purpose of population health screening. Participant phenotype was not available at the time of variant classification. Additional details can be found in publication PMID: 35346344, PMCID: PMC8962531

Myriad Genetics, Inc.
Classification: Pathogenic for Familial adenomatous polyposis 1. Last evaluated: 2023-05-03. Review status: criteria provided, single submitter. Criteria: Myriad Autosomal Dominant, Autosomal Recessive and X-Linked Classification Criteria (2023). Collection method: clinical testing. Allele origin: unknown.
Comment: This variant is considered pathogenic. This variant creates a frameshift predicted to result in premature protein truncation.

Labcorp Genetics (formerly Invitae), Labcorp
Classification: Pathogenic for Familial adenomatous polyposis 1. Last evaluated: 2022-04-07. Review status: criteria provided, single submitter. Criteria: Invitae Variant Classification Sherloc (09022015). Collection method: clinical testing. Allele origin: germline.
Comment: For these reasons, this variant has been classified as Pathogenic. A different truncation (p.Tyr2645Lysfs*14) that lies downstream of this variant has been determined to be pathogenic (PMID: 9824584, 1316610, 27081525, 8381579, 22135120, Invitae). This suggests that deletion of this region of the APC protein is causative of disease. This variant is expected to disrupt the EB1 and HDLG binding sites, which mediate interactions with the cytoskeleton (PMID: 15311282, 17293347). While functional studies have not been performed to directly test the effect on APC protein function, this suggests that disruption of the C-terminal portion of the protein is functionally important. This variant has not been reported in the literature in individuals affected with APC-related conditions. This variant is not present in population databases (gnomAD no frequency). This sequence change creates a premature translational stop signal (p.Ser671Ilefs*3) in the APC gene. While this is not anticipated to result in nonsense mediated decay, it is expected to disrupt the last 2173 amino acid(s) of the APC protein.

Literature cited by the submitters: PubMed 11257105 (cited by All of Us Research Program, National Institutes of Health); PubMed 9824584 (cited by Labcorp Genetics (formerly Invitae), Labcorp); PubMed 1316610 (cited by Labcorp Genetics (formerly Invitae), Labcorp); PubMed 27081525 (cited by Labcorp Genetics (formerly Invitae), Labcorp); PubMed 8381579 (cited by Labcorp Genetics (formerly Invitae), Labcorp); PubMed 22135120 (cited by Labcorp Genetics (formerly Invitae), Labcorp); PubMed 15311282 (cited by Labcorp Genetics (formerly Invitae), Labcorp); PubMed 17293347 (cited by Labcorp Genetics (formerly Invitae), Labcorp).

NM_000038.6(APC):c.2010dup (p.Ser671fs)

Gene: APC (APC regulator of Wnt signaling pathway; plus strand). Cytogenetic location: 5q22.2.
Variant type: Duplication.
Coding change: c.2010dup on transcript NM_000038.6 (MANE Select); coding-DNA position 2010, one base duplicated (A; older notation c.2010dupA).
Protein change: p.Ser671fs; shifts the reading frame from serine 671.
Molecular consequence: frameshift variant.
Genome position (GRCh38, 1-based): chr5:112,837,604, A duplicated; the last of 4 consecutive A bases (chr5:112,837,601-112,837,604); duplicating any one gives the same sequence. VCF-style (leftmost placement, unchanged base first): chr5-112837600-T-TA. GRCh37 (hg19) VCF-style: chr5-112173297-T-TA.
Other names: c.2010dup, p.Ser671fs (NM_001127510.3, NM_001354895.2); c.1956dup, p.Ser653fs (NM_001127511.3); c.2064dup, p.Ser689fs (NM_001354896.2); c.2040dup, p.Ser681fs (NM_001354897.2); c.1935dup, p.Ser646fs (NM_001354898.2); c.1926dup, p.Ser643fs (NM_001354899.2); c.1887dup, p.Ser630fs (NM_001354900.2); c.1833dup, p.Ser612fs (NM_001354901.2); and 16 more; short protein forms S388fs, S630fs, S653fs, S580fs, S681fs, S570fs, S612fs, S643fs.
Identifiers: ClinVar variation 2081491 (VCV002081491.7), dbSNP rs2533390770, ClinGen allele CA2580072374.